The following is an entry in ClinVar:

NM_019066.5(MAGEL2):c.2247C>T (p.Arg749=)

Gene: MAGEL2 (MAGE family member L2; minus strand). Cytogenetic location: 15q11.2.
Variant type: single nucleotide variant.
Coding change: c.2247C>T on transcript NM_019066.5 (MANE Select); coding-DNA position 2247, C replaced by T.
Protein change: p.Arg749=; no amino-acid change (arginine 749 retained).
Molecular consequence: synonymous variant.
Genome position (GRCh38, 1-based): chr15:23,645,496, G>A on the plus strand (C>T on the coding strand, the complement: MAGEL2 is on the minus strand). VCF-style: chr15-23645496-G-A. GRCh37 (hg19) VCF-style: chr15-23890643-G-A.
Identifiers: ClinVar variation 4804867 (VCV004804867.1).
Genomic context (GRCh38, chr15:23,645,496, plus strand): 5'-CAGGTGTGCTCGCGCAGCTGACACTGCCTTGGGAGCACAGAAGGTGGCAGCAAAGATCAT[G>A]CGGTCTTTTGAAGGGGCCCTGCGCTCCTTCGAGGAGGTCCTGCGCTCTTTAGAGGAGCCC-3'
Protein context (NP_061939.3, residues 739-759): SKERRAPSKD[Arg749=]MIFAATFCAP

ClinVar aggregate classification (germline): Uncertain significance (1 of 4 stars; one submission).

Submission:

Labcorp Genetics (formerly Invitae), Labcorp
Classification: Uncertain significance. Last evaluated: 2025-04-30. Review status: criteria provided, single submitter. Criteria: Invitae Variant Classification Sherloc (09022015). Collection method: clinical testing. Allele origin: germline.
Comment: This sequence change affects codon 749 of the MAGEL2 mRNA. It is a 'silent' change, meaning that it does not change the encoded amino acid sequence of the MAGEL2 protein. This variant is not present in population databases (gnomAD no frequency). This variant has not been reported in the literature in individuals affected with MAGEL2-related conditions. In summary, the available evidence is currently insufficient to determine the role of this variant in disease. Therefore, it has been classified as a Variant of Uncertain Significance.